The following is an entry in ClinVar:

NM_001184.4(ATR):c.4995G>T (p.Lys1665Asn)

Gene: ATR (ATR checkpoint kinase; minus strand). Cytogenetic location: 3q23.
Variant type: single nucleotide variant.
Coding change: c.4995G>T on transcript NM_001184.4 (MANE Select); coding-DNA position 4995, G replaced by T.
Protein change: p.Lys1665Asn; replaces lysine 1665 with asparagine.
Molecular consequence: missense variant.
Genome position (GRCh38, 1-based): chr3:142,507,967, C>A on the plus strand (G>T on the coding strand, the complement: ATR is on the minus strand). VCF-style: chr3-142507967-C-A. GRCh37 (hg19) VCF-style: chr3-142226809-C-A.
Other names: c.4803G>T, p.Lys1601Asn (NM_001354579.2); short protein forms K1665N, K1601N.
Identifiers: ClinVar variation 559542 (VCV000559542.3), dbSNP rs1553761113, ClinGen allele CA354820470.
Genomic context (GRCh38, chr3:142,507,967, plus strand): 5'-AAATTCACTATATTAACTTCAGACCTGTAAAAATCCAAGATGTTCCTGAATATTTTGCTT[C>A]TTTTCTGTAATAAATGATTCAAAGTGCATTACAGCTCGTGTGTATGCTTTGGAGCGAAAG-3'
Protein context (NP_001175.2, residues 1655-1675): VMHFESFITE[Lys1665Asn]KQNIQEHLGF

ClinVar aggregate classification (germline): Likely pathogenic (0 of 4 stars; one submission).

Conditions:
Seckel syndrome 1 (SCKL1). Also called: MICROCEPHALIC PRIMORDIAL DWARFISM I. Identifiers: Orphanet 808, MedGen C4551474, MONDO:0008869, OMIM 210600.

Submission:

Stewart Lab, University of Birmingham
Classification: Likely pathogenic for Seckel syndrome 1. Review status: no assertion criteria provided. Collection method: research, in vitro. Allele origin: paternal, not applicable. Inheritance: Autosomal recessive inheritance. Affected: yes. Observed: 1 variant allele, 1 compound heterozygote.
Comment: Associated with a reduction in ATR protein expression in patient-derived cells. Causes p.Lys1665Asn missense mutation. However it is likely that this mutation disrupts mRNA splicing.